The following is an entry in ClinVar:

NM_001843.4(CNTN1):c.207C>T (p.Ala69=)

Gene: CNTN1 (contactin 1; plus strand). Cytogenetic location: 12q12.
Variant type: single nucleotide variant.
Coding change: c.207C>T on transcript NM_001843.4 (MANE Select); coding-DNA position 207, C replaced by T.
Protein change: p.Ala69=; no amino-acid change (alanine 69 retained).
Molecular consequence: synonymous variant.
Genome position (GRCh38, 1-based): chr12:40,918,751, C>T. VCF-style: chr12-40918751-C-T. GRCh37 (hg19) VCF-style: chr12-41312553-C-T.
Other names: c.207C>T, p.Ala69= (NM_001256063.2, NM_001256064.2); c.174C>T, p.Ala58= (NM_175038.2).
Identifiers: ClinVar variation 210737 (VCV000210737.46), dbSNP rs7297132, ClinGen allele CA209771.

ClinVar aggregate classification (germline): Benign/Likely benign. Review status: criteria provided, multiple submitters, no conflicts (2 of 4 stars). 5 submissions from 5 submitters: Benign (2); Likely benign (3). Last evaluated 2026-08-01.

Conditions:
Compton-North congenital myopathy (CMYO12). Identifiers: Orphanet 210163, MedGen C2675527, MONDO:0012929, OMIM 612540.

Allele frequency attached by ClinVar (database versions not stated): 1000 Genomes Project 0.00300; 1000 Genomes Project 30x 0.00312; ExAC 0.00548; gnomAD 0.00558 and 0.00583; gnomAD exomes 0.00570 and 0.00823; ESP Exome Variant Server 0.00692; TOPMed 0.00706.
gnomAD v4.1: 12,838 of 1,613,610 alleles (0.8%); highest among the groups gnomAD compares: Non-Finnish European, 0.97%; 55 homozygotes.

Submissions (5):

CeGaT Center for Human Genetics Tuebingen
Classification: Likely benign. Last evaluated: 2026-08-01. Review status: criteria provided, single submitter. Criteria: CeGaT Center For Human Genetics Tuebingen Variant Classification Criteria Version 2. Collection method: clinical testing. Allele origin: germline. Affected: yes. Observed: 20 variant alleles.
Comment: CNTN1: BS2

Labcorp Genetics (formerly Invitae), Labcorp
Classification: Benign for Compton-North congenital myopathy. Last evaluated: 2026-02-01. Review status: criteria provided, single submitter. Criteria: Invitae Variant Classification Sherloc (09022015). Collection method: clinical testing. Allele origin: germline.

GeneDx
Classification: Benign. Last evaluated: 2019-04-04. Review status: criteria provided, single submitter. Criteria: GeneDx Variant Classification Process June 2021. Collection method: clinical testing. Allele origin: germline. Affected: yes.

Genetic Services Laboratory, University of Chicago
Classification: Likely benign. Last evaluated: 2015-04-23. Review status: criteria provided, single submitter. Criteria: ACMG Guidelines, 2015. Collection method: clinical testing. Allele origin: germline.

Breakthrough Genomics
Classification: Likely benign. Review status: criteria provided, single submitter. Criteria: ACMG Guidelines, 2015. Collection method: not provided. Allele origin: germline. Inheritance: Autosomal recessive inheritance. Affected: yes.